The following is an entry in ClinVar:

ClinVar aggregate classification (germline): Conflicting classifications of pathogenicity. Review status: criteria provided, conflicting classifications (1 of 4 stars). 13 submissions from 13 submitters: Uncertain significance (1); Benign (2); Likely benign (8). 2 of the submissions do not count toward it. Last evaluated 2026-02-01.

Conditions:
Hermansky-Pudlak syndrome 4 (HPS4). Identifiers: Orphanet 231500, Orphanet 79430, MedGen C3484357, MONDO:0013556, OMIM 614073.

Allele frequency attached by ClinVar (database versions not stated): 1000 Genomes Project 30x 0.00281; gnomAD 0.00306 and 0.00337; 1000 Genomes Project 0.00319; ESP Exome Variant Server 0.00331; TOPMed 0.00393; gnomAD exomes 0.00407 and 0.00471; ExAC 0.00465.
gnomAD v4.1: 6,538 of 1,614,220 alleles (0.41%); highest among the groups gnomAD compares: Middle Eastern, 5.1%; 38 homozygotes.

Submissions (13):

Labcorp Genetics (formerly Invitae), Labcorp
Classification: Likely benign. Last evaluated: 2026-02-01. Review status: criteria provided, single submitter. Criteria: Invitae Variant Classification Sherloc (09022015). Collection method: clinical testing. Allele origin: germline.

CeGaT Center for Human Genetics Tuebingen
Classification: Likely benign. Last evaluated: 2025-10-01. Review status: criteria provided, single submitter. Criteria: CeGaT Center For Human Genetics Tuebingen Variant Classification Criteria Version 2. Collection method: clinical testing. Allele origin: germline. Affected: yes. Observed: 1 variant allele.
Comment: HPS4: BP4, BS2

Genomic Medicine Center of Excellence, King Faisal Specialist Hospital and Research Centre
Classification: Likely benign for Hermansky-Pudlak syndrome 4. Last evaluated: 2025-07-30. Review status: criteria provided, single submitter. Criteria: ACMG Guidelines, 2015. Collection method: clinical testing. Allele origin: germline.

Blueprint Genetics
Classification: Likely benign. Last evaluated: 2024-11-26. Review status: criteria provided, single submitter. Criteria: ACMG Guidelines, 2015. Collection method: clinical testing. Allele origin: germline.

Mayo Clinic Laboratories, Mayo Clinic
Classification: Likely benign. Last evaluated: 2024-01-22. Review status: criteria provided, single submitter. Criteria: ACMG Guidelines, 2015. Collection method: clinical testing. Allele origin: germline. Observed: 5 variant alleles.
Comment: BS1, BS2, BP4, PM1_supporting

Johns Hopkins Genomics, Johns Hopkins University
Classification: Benign for Hermansky-Pudlak syndrome 4. Last evaluated: 2021-03-29. Review status: criteria provided, single submitter. Criteria: ACMG Guidelines, 2015. Collection method: clinical testing. Allele origin: germline.

Clinical Genetics DNA and cytogenetics Diagnostics Lab, Erasmus MC, Erasmus Medical Center
Classification: Likely benign for Hermansky-Pudlak syndrome 4. Last evaluated: 2017-06-22. Review status: criteria provided, single submitter. Criteria: ACGS Guidelines, 2013. Collection method: clinical testing. Allele origin: germline. Affected: yes. Study: VKGL Data-share Consensus.

Eurofins Ntd Llc (ga)
Classification: Benign. Last evaluated: 2016-10-12. Review status: criteria provided, single submitter. Criteria: EGL Classification Definitions 2015. Collection method: clinical testing. Allele origin: germline. Observed: 1 variant allele, 1 heterozygote.

Laboratory for Molecular Medicine, Mass General Brigham Personalized Medicine
Classification: Likely benign. Last evaluated: 2016-06-07. Review status: criteria provided, single submitter. Criteria: LMM Criteria. Collection method: clinical testing. Allele origin: germline. Observed: 2 variant alleles.
Comment: p.Ile84Val in exon 4 of HPS4: This variant is not expected to have clinical sign ificance because it has been identified in 0.6% (400/66734) of European chromoso mes by the Exome Aggregation Consortium (ExAC; d bSNP rs149830675).

Genetic Services Laboratory, University of Chicago
Classification: Uncertain significance. Last evaluated: 2015-03-09. Review status: criteria provided, single submitter. Criteria: ACMG Guidelines, 2015. Collection method: clinical testing. Allele origin: germline.

PreventionGenetics, part of Exact Sciences
Classification: Likely benign. Review status: criteria provided, single submitter. Criteria: ACMG Guidelines, 2015. Collection method: clinical testing. Allele origin: germline.

Clinical Genetics, Academic Medical Center
Classification: Benign. Review status: no assertion criteria provided. Collection method: clinical testing. Allele origin: germline. Affected: yes. Study: VKGL Data-share Consensus. Not counted in ClinVar's aggregate classification.

Genome Diagnostics Laboratory, University Medical Center Utrecht
Classification: Likely benign. Review status: no assertion criteria provided. Collection method: clinical testing. Allele origin: germline. Affected: yes. Study: VKGL Data-share Consensus. Not counted in ClinVar's aggregate classification.

NM_022081.6(HPS4):c.250A>G (p.Ile84Val)

Gene: HPS4 (HPS4 biogenesis of lysosomal organelles complex 3 subunit 2; minus strand). Cytogenetic location: 22q12.1.
Variant type: single nucleotide variant.
Coding change: c.250A>G on transcript NM_022081.6 (MANE Select); coding-DNA position 250, A replaced by G.
Protein change: p.Ile84Val; replaces isoleucine 84 with valine.
Molecular consequence: missense variant. On other transcripts: non-coding transcript variant (8).
Genome position (GRCh38, 1-based): chr22:26,477,019, T>C on the plus strand (A>G on the coding strand, the complement: HPS4 is on the minus strand). VCF-style: chr22-26477019-T-C. GRCh37 (hg19) VCF-style: chr22-26872985-T-C.
Other names: c.250A>G, p.Ile84Val (NM_001349896.1, NM_001349898.2, NM_001349899.2 and 6 more transcripts); c.235A>G, p.Ile79Val (NM_152841.2); short protein forms I79V, I84V.
Identifiers: ClinVar variation 211153 (VCV000211153.41), dbSNP rs149830675, ClinGen allele CA206716.
Genomic context (GRCh38, chr22:26,477,019, plus strand): 5'-AACACTTCAGCACTGATTCTGCCATTCAACTTACCCAAAGGTAATCTCCATCAACTTTTA[T>C]GGCAAACTTCAGTTTTCTCAGACGAACAAGAGTAGGAGGAGAGTCAGAAATGTCAGAAAC-3'
Protein context (NP_071364.4, residues 74-94): LVRLRKLKFA[Ile84Val]KVDGDYLWVL